The following is an entry in ClinVar:

NM_000489.6(ATRX):c.3477G>C (p.Glu1159Asp)

Gene: ATRX (ATRX chromatin remodeler; minus strand). Cytogenetic location: Xq21.1.
Variant type: single nucleotide variant.
Coding change: c.3477G>C on transcript NM_000489.6 (MANE Select); coding-DNA position 3477, G replaced by C.
Protein change: p.Glu1159Asp; replaces glutamic acid 1159 with aspartic acid.
Molecular consequence: missense variant.
Genome position (GRCh38, 1-based): chrX:77,681,779, C>G on the plus strand (G>C on the coding strand, the complement: ATRX is on the minus strand). VCF-style: chrX-77681779-C-G. GRCh37 (hg19) VCF-style: chrX-76937271-C-G.
Other names: c.3363G>C, p.Glu1121Asp (NM_138270.5); short protein forms E1159D, E1121D.
Identifiers: ClinVar variation 1405307 (VCV001405307.7), dbSNP rs915523218, ClinGen allele CA331568991.

ClinVar aggregate classification (germline): Uncertain significance (1 of 4 stars; one submission).

Conditions:
Alpha thalassemia-X-linked intellectual disability syndrome (ATRX). Also called: ATR-X syndrome; Alpha thalassemia mental retardation syndrome, nondeletion type, X-linked; XLMR hypotonic face syndrome; X-linked alpha-thalassemia-mental retardation syndrome; ALPHA-THALASSEMIA/IMPAIRED INTELLECTUAL DEVELOPMENT SYNDROME, X-LINKED; ALPHA-THALASSEMIA/MENTAL RETARDATION SYNDROME, X-LINKED. Identifiers: Orphanet 847, MedGen C1845055, MONDO:0010519, OMIM 301040.

Allele frequency attached by ClinVar (database versions not stated): TOPMed 0.00003; gnomAD exomes below 0.00001; gnomAD 0.00002.
gnomAD v4.1: 4 of 1,196,491 alleles (0.00033%); highest among the groups gnomAD compares: African/African-American, 0.0071%; no homozygotes.

Submission:

Labcorp Genetics (formerly Invitae), Labcorp
Classification: Uncertain significance for Alpha thalassemia-X-linked intellectual disability syndrome. Last evaluated: 2025-01-19. Review status: criteria provided, single submitter. Criteria: Invitae Variant Classification Sherloc (09022015). Collection method: clinical testing. Allele origin: germline.
Comment: This sequence change replaces glutamic acid, which is acidic and polar, with aspartic acid, which is acidic and polar, at codon 1159 of the ATRX protein (p.Glu1159Asp). This variant is not present in population databases (gnomAD no frequency). This variant has not been reported in the literature in individuals affected with ATRX-related conditions. ClinVar contains an entry for this variant (Variation ID: 1405307). Invitae Evidence Modeling of protein sequence and biophysical properties (such as structural, functional, and spatial information, amino acid conservation, physicochemical variation, residue mobility, and thermodynamic stability) indicates that this missense variant is not expected to disrupt ATRX protein function with a negative predictive value of 95%. In summary, the available evidence is currently insufficient to determine the role of this variant in disease. Therefore, it has been classified as a Variant of Uncertain Significance.